The following is an entry in ClinVar:

ClinVar aggregate classification (germline): Likely pathogenic (1 of 4 stars; one submission).

Conditions:
Anemia, nonspherocytic hemolytic, due to G6PD deficiency (CNSHA1). Also called: Hemolytic anemia due to G6PD deficiency; Favism, susceptibility to; Class I glucose-6-phosphate dehydrogenase deficiency; ANEMIA, CONGENITAL, NONSPHEROCYTIC HEMOLYTIC, 1. Identifiers: Orphanet 466026, MedGen C2720289, MONDO:0010480, OMIM 300908.

Submission:

Dunham Lab, University of Washington
Classification: Likely pathogenic for Anemia, nonspherocytic hemolytic, due to G6PD deficiency. Last evaluated: 2022-08-12. Review status: criteria provided, single submitter. Criteria: Bayesian ACMG Guidelines, 2018. Collection method: curation. Allele origin: unknown. Affected: yes.
Comment: Decreased activity (9%) and stability in red blood cells and when expressed in E. coli (PS3). 680G>T is below expected carrier frequency in gnomAD (PM2). Post_P 0.949 (odds of pathogenicity 168.4, Prior_P 0.1).

Literature cited by the submitters: PubMed 2572288; PubMed 32387609.

NM_001360016.2(G6PD):c.[376A>G;680G>T]

Variant type: Haplotype.
Identifiers: ClinVar variation 1722747 (VCV001722747.2).